The following is an entry in ClinVar:

ClinVar aggregate classification (germline): Uncertain significance. Review status: criteria provided, multiple submitters, no conflicts (2 of 4 stars). 3 submissions from 3 submitters: Uncertain significance (3). Last evaluated 2021-09-01.

Conditions:
Autosomal recessive limb-girdle muscular dystrophy type 2J (LGMDR10). Also called: MUSCULAR DYSTROPHY, LIMB-GIRDLE, AUTOSOMAL RECESSIVE 10; Limb-girdle muscular dystrophy, type 2J. Identifiers: Orphanet 140922, MedGen C1837342, MONDO:0012127, OMIM 608807.
Tibial muscular dystrophy (TMD). Also called: Udd Distal Myopathy – Tibial Muscular Dystrophy; UDD MYOPATHY; Tibial muscular dystrophy, tardive. Identifiers: Orphanet 609, MedGen C1838244, MONDO:0010870, OMIM 600334.
Dilated cardiomyopathy 1G (CMD1G). Identifiers: Orphanet 154, MedGen C1858763, MONDO:0011400, OMIM 604145.
Early-onset myopathy with fatal cardiomyopathy (CMYO5). Also called: CONGENITAL MYOPATHY 5 WITH CARDIOMYOPATHY; Salih Myopathy. Identifiers: Orphanet 289377, MedGen C2673677, MONDO:0012714, OMIM 611705. Disease mechanism: loss of function.
Myopathy, myofibrillar, 9, with early respiratory failure (MFM9). Also called: EDSTROM MYOPATHY; MYOPATHY, PROXIMAL, WITH EARLY RESPIRATORY MUSCLE INVOLVEMENT; Hereditary myopathy with early respiratory failure; Myopathy, distal, with early respiratory failure, autosomal dominant. Identifiers: Orphanet 178464, Orphanet 34521, MedGen C1863599, MONDO:0011362, OMIM 603689.
Hypertrophic cardiomyopathy 9. Also called: Familial hypertrophic cardiomyopathy 9. Identifiers: MedGen C1861065, MONDO:0013412, OMIM 613765.

Allele frequency attached by ClinVar (database versions not stated): gnomAD 0.00001; gnomAD exomes 0.00002; TOPMed 0.00002; ExAC 0.00003.
gnomAD v4.1: 35 of 1,598,094 alleles (0.0022%); highest among the groups gnomAD compares: Admixed American, 0.0035%; no homozygotes.

Submissions (3):

Fulgent Genetics
Classification: Uncertain significance for Tibial muscular dystrophy; Myopathy, myofibrillar, 9, with early respiratory failure; Dilated cardiomyopathy 1G; Autosomal recessive limb-girdle muscular dystrophy type 2J; Early-onset myopathy with fatal cardiomyopathy; Hypertrophic cardiomyopathy 9. Last evaluated: 2021-09-01. Review status: criteria provided, single submitter. Criteria: ACMG Guidelines, 2015. Collection method: clinical testing. Allele origin: unknown.

Athena Diagnostics
Classification: Uncertain significance. Last evaluated: 2018-02-09. Review status: criteria provided, single submitter. Criteria: Athena Diagnostics Criteria. Collection method: clinical testing. Allele origin: germline.

Laboratory for Molecular Medicine, Mass General Brigham Personalized Medicine
Classification: Uncertain significance. Last evaluated: 2015-04-03. Review status: criteria provided, single submitter. Criteria: LMM Criteria. Collection method: clinical testing. Allele origin: germline. Observed: 1 variant allele.
Comment: The p.Pro19592Leu variant in TTN has not been previously reported in individuals with cardiomyopathy, but has been identified in 1/13560 South Asian chromosomes by the Exome Aggregation Consortium (ExAC). Com putational prediction tools and conservation analyses do not provide strong supp ort for or against an impact to the protein. In summary, the clinical significan ce of the p.Pro19592Leu variant is uncertain.

NM_001267550.2(TTN):c.66479C>T (p.Pro22160Leu)

Genes: TTN (titin; minus strand), TTN-AS1 (TTN antisense RNA 1; plus strand). Cytogenetic location: 2q31.2.
Variant type: single nucleotide variant.
Coding change: c.66479C>T on transcript NM_001267550.2 (MANE Select); coding-DNA position 66479, C replaced by T.
Protein change: p.Pro22160Leu; replaces proline 22160 with leucine.
Molecular consequence: missense variant.
Genome position (GRCh38, 1-based): chr2:178,581,789, G>A on the plus strand (C>T on the coding strand, the complement: TTN is on the minus strand). VCF-style: chr2-178581789-G-A. GRCh37 (hg19) VCF-style: chr2-179446516-G-A.
Other names: c.61556C>T, p.Pro20519Leu (NM_001256850.1); c.39284C>T, p.Pro13095Leu (NM_003319.4); c.39659C>T, p.Pro13220Leu (NM_133432.3); c.39860C>T, p.Pro13287Leu (NM_133437.4); c.58775C>T, p.Pro19592Leu (NM_133378.4); short protein forms P19592L, P22160L, P13220L, P20519L, P13287L, P13095L.
Identifiers: ClinVar variation 229492 (VCV000229492.7), dbSNP rs777364605, ClinGen allele CA1991503.